The following is an entry in ClinVar:

ClinVar aggregate classification (germline): Likely pathogenic (1 of 4 stars; one submission).

Conditions:
Cardiovascular phenotype. Identifiers: MedGen CN230736.

Submission:

Ambry Genetics
Classification: Likely pathogenic for Cardiovascular phenotype. Last evaluated: 2021-08-06. Review status: criteria provided, single submitter. Criteria: Ambry Variant Classification Scheme 2023. Collection method: clinical testing. Allele origin: germline.
Comment: The p.W10061* variant (also known as c.30182G>A), located in coding exon 121 of the TTN gene, results from a G to A substitution at nucleotide position 30182. This changes the amino acid from a tryptophan to a stop codon within coding exon 121. This exon is located in the A-band region of the N2-B isoform of the titin protein and is constitutively expressed in TTN transcripts (percent spliced in or PSI 100%). This alteration is expected to result in loss of function by premature protein truncation or nonsense-mediated mRNA decay. While truncating variants in TTN are present in 1-3% of the general population, truncating variants in the A-band are the most common cause of dilated cardiomyopathy (DCM) (Herman DS et al. N. Engl. J. Med., 2012 Feb;366:619-28; Roberts AM et al. Sci Transl Med, 2015 Jan;7:270ra6). TTN truncating variants encoded in constitutive exons (PSI >90%) have been found to be significantly associated with DCM regardless of their position in titin (Schafer S et al. Nat. Genet., 2017 01;49:46-53). As such, this alteration is classified as likely pathogenic.

NM_001267550.2(TTN):c.57377G>A (p.Trp19126Ter)

Genes: TTN (titin; minus strand), TTN-AS1 (TTN antisense RNA 1; plus strand). Cytogenetic location: 2q31.2.
Variant type: single nucleotide variant.
Coding change: c.57377G>A on transcript NM_001267550.2 (MANE Select); coding-DNA position 57377, G replaced by A.
Protein change: p.Trp19126Ter; replaces tryptophan 19126 with a stop codon.
Molecular consequence: nonsense.
Genome position (GRCh38, 1-based): chr2:178,597,705, C>T on the plus strand (G>A on the coding strand, the complement: TTN is on the minus strand). VCF-style: chr2-178597705-C-T. GRCh37 (hg19) VCF-style: chr2-179462432-C-T.
Other names: c.52454G>A, p.Trp17485Ter (NM_001256850.1); c.30182G>A, p.Trp10061Ter (NM_003319.4); c.49673G>A, p.Trp16558Ter (NM_133378.4); c.30557G>A, p.Trp10186Ter (NM_133432.3); c.30758G>A, p.Trp10253Ter (NM_133437.4); short protein forms W17485*, W19126*, W10061*, W10186*, W10253*, W16558*.
Identifiers: ClinVar variation 1798873 (VCV001798873.2), dbSNP rs2469800384, ClinGen allele CA349521130.